The following is an entry in ClinVar:

ClinVar aggregate classification (germline): Likely benign (1 of 4 stars; one submission).

gnomAD v4.1: 5 of 1,606,714 alleles (0.00031%); highest among the groups gnomAD compares: Admixed American, 0.0051%; no homozygotes.

Submission:

Mayo Clinic Laboratories, Mayo Clinic
Classification: Likely benign. Last evaluated: 2025-06-26. Review status: criteria provided, single submitter. Criteria: ACMG Guidelines, 2015. Collection method: clinical testing. Allele origin: germline. Observed: 1 variant allele.
Comment: BP4, BP7

NM_000540.3(RYR1):c.1281G>A (p.Ser427=)

Gene: RYR1 (ryanodine receptor 1; plus strand). Cytogenetic location: 19q13.2.
Variant type: single nucleotide variant.
Coding change: c.1281G>A on transcript NM_000540.3 (MANE Select); coding-DNA position 1281, G replaced by A.
Protein change: p.Ser427=; no amino-acid change (serine 427 retained).
Molecular consequence: synonymous variant.
Genome position (GRCh38, 1-based): chr19:38,452,855, G>A. VCF-style: chr19-38452855-G-A. GRCh37 (hg19) VCF-style: chr19-38943495-G-A.
Other names: p.Ser427=; c.1281G>A, p.Ser427= (NM_001042723.2).
Identifiers: ClinVar variation 4684369 (VCV004684369.1).